The following is an entry in ClinVar:

ClinVar aggregate classification (germline): Likely benign (0 of 4 stars; one submission).

Conditions:
PLXNA3-related disorder. Also called: PLXNA3-related condition.

Allele frequency attached by ClinVar (database versions not stated): 1000 Genomes Project 30x 0.00021; 1000 Genomes Project 0.00026; gnomAD 0.00001; TOPMed 0.00002; gnomAD exomes 0.00003; ExAC 0.00009.
gnomAD v4.1: 33 of 1,193,015 alleles (0.0028%); highest among the groups gnomAD compares: East Asian, 0.092%; no homozygotes.

Submission:

PreventionGenetics, part of Exact Sciences
Classification: Likely benign for PLXNA3-related condition. Last evaluated: 2023-11-01. Review status: no assertion criteria provided. Collection method: clinical testing. Allele origin: germline.
Comment: This variant is classified as likely benign based on ACMG/AMP sequence variant interpretation guidelines (Richards et al. 2015 PMID: 25741868, with internal and published modifications).

NM_017514.5(PLXNA3):c.600C>T (p.Tyr200=)

Gene: PLXNA3 (plexin A3; plus strand). Cytogenetic location: Xq28.
Variant type: single nucleotide variant.
Coding change: c.600C>T on transcript NM_017514.5 (MANE Select); coding-DNA position 600, C replaced by T.
Protein change: p.Tyr200=; no amino-acid change (tyrosine 200 retained).
Molecular consequence: synonymous variant.
Genome position (GRCh38, 1-based): chrX:154,461,104, C>T. VCF-style: chrX-154461104-C-T. GRCh37 (hg19) VCF-style: chrX-153689444-C-T.
Identifiers: ClinVar variation 3029612 (VCV003029612.2), dbSNP rs200478230, ClinGen allele CA10563768.